The following is an entry in ClinVar:

ClinVar aggregate classification (germline): Likely benign. Review status: criteria provided, multiple submitters, no conflicts (2 of 4 stars). 4 submissions from 4 submitters: Likely benign (3). 1 of the submissions does not count toward it. Last evaluated 2026-02-01.

Conditions:
CHD7-related disorder. Also called: CHD7-related condition.
Inborn genetic diseases. Identifiers: MedGen C0950123, MeSH D030342.
CHARGE syndrome (CHARGE). Also called: Coloboma, heart anomaly, choanal atresia, retardation, genital and ear anomalies; CHARGE association; Hall-Hittner syndrome; Hittner Hirsch Kreh syndrome; CHARGE ASSOCIATION--COLOBOMA, HEART ANOMALY, CHOANAL ATRESIA, RETARDATION, GENITAL AND EAR ANOMALIES. Identifiers: Orphanet 138, MedGen C0265354, MONDO:0008965.

Allele frequency attached by ClinVar (database versions not stated): gnomAD 0.00005; gnomAD exomes 0.00007; TOPMed 0.00008; ExAC 0.00011; 1000 Genomes Project 0.00020; 1000 Genomes Project 30x 0.00031.
gnomAD v4.1: 100 of 1,610,422 alleles (0.0062%); highest among the groups gnomAD compares: Admixed American, 0.012%; no homozygotes.

Submissions (4):

Labcorp Genetics (formerly Invitae), Labcorp
Classification: Likely benign for CHARGE syndrome. Last evaluated: 2026-02-01. Review status: criteria provided, single submitter. Criteria: Invitae Variant Classification Sherloc (09022015). Collection method: clinical testing. Allele origin: germline.

Ambry Genetics
Classification: Likely benign for Inborn genetic diseases. Last evaluated: 2022-12-17. Review status: criteria provided, single submitter. Criteria: Ambry Variant Classification Scheme 2023. Collection method: clinical testing. Allele origin: germline.

GeneDx
Classification: Likely benign. Last evaluated: 2020-12-01. Review status: criteria provided, single submitter. Criteria: GeneDx Variant Classification Process June 2021. Collection method: clinical testing. Allele origin: germline. Affected: yes.

PreventionGenetics, part of Exact Sciences
Classification: Likely benign for CHD7-related condition. Last evaluated: 2022-05-19. Review status: no assertion criteria provided. Collection method: clinical testing. Allele origin: germline. Not counted in ClinVar's aggregate classification.
Comment: This variant is classified as likely benign based on ACMG/AMP sequence variant interpretation guidelines (Richards et al. 2015 PMID: 25741868, with internal and published modifications).

NM_017780.4(CHD7):c.8361C>T (p.Gly2787=)

Gene: CHD7 (chromodomain helicase DNA binding protein 7; plus strand). Cytogenetic location: 8q12.2.
Variant type: single nucleotide variant.
Coding change: c.8361C>T on transcript NM_017780.4 (MANE Select); coding-DNA position 8361, C replaced by T.
Protein change: p.Gly2787=; no amino-acid change (glycine 2787 retained).
Molecular consequence: synonymous variant.
Genome position (GRCh38, 1-based): chr8:60,865,300, C>T. VCF-style: chr8-60865300-C-T. GRCh37 (hg19) VCF-style: chr8-61777859-C-T.
Other names: c.2214C>T, p.Gly738= (NM_001316690.1).
Identifiers: ClinVar variation 696282 (VCV000696282.14), dbSNP rs200792215, ClinGen allele CA4760996.